The following is an entry in ClinVar:

NM_001378120.1(MBD5):c.471A>G (p.Thr157=)

Gene: MBD5 (methyl-CpG binding domain protein 5; plus strand). Cytogenetic location: 2q23.1.
Variant type: single nucleotide variant.
Coding change: c.471A>G on transcript NM_001378120.1 (MANE Select); coding-DNA position 471, A replaced by G.
Protein change: p.Thr157=; no amino-acid change (threonine 157 retained).
Molecular consequence: synonymous variant.
Genome position (GRCh38, 1-based): chr2:148,468,414, A>G. VCF-style: chr2-148468414-A-G. GRCh37 (hg19) VCF-style: chr2-149225983-A-G.
Other names: c.471A>G, p.Thr157= (NM_018328.5).
Identifiers: ClinVar variation 378114 (VCV000378114.43), dbSNP rs138433455, ClinGen allele CA1899889.

ClinVar aggregate classification (germline): Benign/Likely benign. Review status: criteria provided, multiple submitters, no conflicts (2 of 4 stars). 6 submissions from 6 submitters: Benign (1); Likely benign (5). Last evaluated 2026-09-01.

Conditions:
Inborn genetic diseases. Identifiers: MedGen C0950123, MeSH D030342.
Intellectual developmental disorder, autosomal dominant 1. Also called: Intellectual disability, autosomal dominant 1; MBD5 Haploinsufficiency. Identifiers: Orphanet 228402, MedGen C1969562, MONDO:0007974, OMIM 156200.

Allele frequency attached by ClinVar (database versions not stated): gnomAD exomes 0.00007 and 0.00017; gnomAD 0.00038 and 0.00040; TOPMed 0.00039; ExAC 0.00017; ESP Exome Variant Server 0.00023.
gnomAD v4.1: 167 of 1,613,682 alleles (0.01%); highest among the groups gnomAD compares: African/African-American, 0.083%; 1 homozygote.

Submissions (6):

CeGaT Center for Human Genetics Tuebingen
Classification: Likely benign. Last evaluated: 2026-09-01. Review status: criteria provided, single submitter. Criteria: CeGaT Center For Human Genetics Tuebingen Variant Classification Criteria Version 2. Collection method: clinical testing. Allele origin: germline. Affected: yes. Observed: 2 variant alleles.
Comment: MBD5: BP4, BP7

Labcorp Genetics (formerly Invitae), Labcorp
Classification: Likely benign for Intellectual developmental disorder, autosomal dominant 1. Last evaluated: 2025-12-01. Review status: criteria provided, single submitter. Criteria: Invitae Variant Classification Sherloc (09022015). Collection method: clinical testing. Allele origin: germline.

Blueprint Genetics
Classification: Likely benign. Last evaluated: 2024-09-16. Review status: criteria provided, single submitter. Criteria: ACMG Guidelines, 2015. Collection method: clinical testing. Allele origin: germline.

Ambry Genetics
Classification: Likely benign for Inborn genetic diseases. Last evaluated: 2018-01-05. Review status: criteria provided, single submitter. Criteria: Ambry Variant Classification Scheme 2023. Collection method: clinical testing. Allele origin: germline.

Genetic Services Laboratory, University of Chicago
Classification: Likely benign. Last evaluated: 2016-02-01. Review status: criteria provided, single submitter. Criteria: ACMG Guidelines, 2015. Collection method: clinical testing. Allele origin: germline. Affected: no.

GeneDx
Classification: Benign. Last evaluated: 2015-04-15. Review status: criteria provided, single submitter. Criteria: GeneDx Variant Classification (06012015). Collection method: clinical testing. Allele origin: germline. Affected: yes.
Comment: This variant is considered likely benign or benign based on one or more of the following criteria: it is a conservative change, it occurs at a poorly conserved position in the protein, it is predicted to be benign by multiple in silico algorithms, and/or has population frequency not consistent with disease.